The following is an entry in ClinVar:

NM_001374828.1(ARID1B):c.4611G>A (p.Pro1537=)

Gene: ARID1B (AT-rich interaction domain 1B; plus strand). Cytogenetic location: 6q25.3.
Variant type: single nucleotide variant.
Coding change: c.4611G>A on transcript NM_001374828.1 (MANE Select); coding-DNA position 4611, G replaced by A.
Protein change: p.Pro1537=; no amino-acid change (proline 1537 retained).
Molecular consequence: synonymous variant.
Genome position (GRCh38, 1-based): chr6:157,200,836, G>A. VCF-style: chr6-157200836-G-A. GRCh37 (hg19) VCF-style: chr6-157521970-G-A.
Other names: c.2112G>A, p.Pro704= (NM_001363725.2); c.4491G>A, p.Pro1497= (NM_001371656.1, NM_001374820.1); c.4452G>A, p.Pro1484= (NM_017519.3); c.4242G>A (NM_020732.3).
Identifiers: ClinVar variation 1336100 (VCV001336100.30), dbSNP rs749608995, ClinGen allele CA4067666.

ClinVar aggregate classification (germline): Conflicting classifications of pathogenicity. Review status: criteria provided, conflicting classifications (1 of 4 stars). 4 submissions from 4 submitters: Uncertain significance (1); Benign (1); Likely benign (2). Last evaluated 2025-10-01.

Allele frequency attached by ClinVar (database versions not stated): gnomAD 0.00001; TOPMed 0.00001; ExAC 0.00004; gnomAD exomes 0.00005.
gnomAD v4.1: 48 of 1,613,954 alleles (0.003%); highest among the groups gnomAD compares: South Asian, 0.026%; no homozygotes.

Submissions (4):

Labcorp Genetics (formerly Invitae), Labcorp
Classification: Benign. Last evaluated: 2025-10-01. Review status: criteria provided, single submitter. Criteria: Invitae Variant Classification Sherloc (09022015). Collection method: clinical testing. Allele origin: germline.

CeGaT Center for Human Genetics Tuebingen
Classification: Likely benign. Last evaluated: 2024-01-01. Review status: criteria provided, single submitter. Criteria: CeGaT Center For Human Genetics Tuebingen Variant Classification Criteria Version 2. Collection method: clinical testing. Allele origin: germline. Affected: yes. Observed: 1 variant allele.
Comment: ARID1B: BP4, BP7

Blueprint Genetics
Classification: Likely benign. Last evaluated: 2023-03-30. Review status: criteria provided, single submitter. Criteria: ACMG Guidelines, 2015. Collection method: clinical testing. Allele origin: germline.

Genetic Services Laboratory, University of Chicago
Classification: Uncertain significance. Last evaluated: 2017-12-29. Review status: criteria provided, single submitter. Criteria: ACMG Guidelines, 2015. Collection method: clinical testing. Allele origin: germline. Affected: no.